The following is an entry in ClinVar:

ClinVar aggregate classification (germline): Conflicting classifications of pathogenicity. Review status: criteria provided, conflicting classifications (1 of 4 stars). 2 submissions from 2 submitters: Uncertain significance (1); Benign (1). Last evaluated 2025-09-09.

Conditions:
Hereditary cancer-predisposing syndrome. Also called: Hereditary neoplastic syndrome; Hereditary Cancer Syndrome; Neoplastic Syndromes, Hereditary; Tumor predisposition. Identifiers: Orphanet 140162, MedGen C0027672, MeSH D009386, MONDO:0015356.
Familial adenomatous polyposis 2. Also called: MYH-associated polyposis; COLORECTAL ADENOMATOUS POLYPOSIS, AUTOSOMAL RECESSIVE; ADENOMAS, MULTIPLE COLORECTAL, AUTOSOMAL RECESSIVE; MUTYH-related attenuated familial adenomatous polyposis; Adenomas, multiple colorectal; FAP type 2. Identifiers: Orphanet 220460, Orphanet 247798, MedGen C3272841, MONDO:0012041, OMIM 608456.

Allele frequency attached by ClinVar (database versions not stated): gnomAD 0.00001; TOPMed 0.00001.
gnomAD v4.1: 1 of 1,614,014 alleles (0.000062%); highest among the groups gnomAD compares: African/African-American, 0.0013%; no homozygotes.

Submissions (2):

Ambry Genetics
Classification: Benign for Hereditary cancer-predisposing syndrome. Last evaluated: 2025-09-09. Review status: criteria provided, single submitter. Criteria: Ambry Variant Classification Scheme 2023. Collection method: clinical testing. Allele origin: germline.

Labcorp Genetics (formerly Invitae), Labcorp
Classification: Uncertain significance for Familial adenomatous polyposis 2. Last evaluated: 2023-03-29. Review status: criteria provided, single submitter. Criteria: Invitae Variant Classification Sherloc (09022015). Collection method: clinical testing. Allele origin: germline.
Comment: This variant is not present in population databases (gnomAD no frequency). This sequence change replaces histidine, which is basic and polar, with tyrosine, which is neutral and polar, at codon 39 of the MUTYH protein (p.His39Tyr). This variant has not been reported in the literature in individuals affected with MUTYH-related conditions. ClinVar contains an entry for this variant (Variation ID: 481809). An algorithm developed to predict the effect of missense changes on protein structure and function (PolyPhen-2) suggests that this variant is likely to be tolerated. In summary, the available evidence is currently insufficient to determine the role of this variant in disease. Therefore, it has been classified as a Variant of Uncertain Significance.

Literature cited by the submitters: PubMed 40738107 (cited by Ambry Genetics).

NM_001048174.2(MUTYH):c.73C>T (p.His25Tyr)

Gene: MUTYH (mutY DNA glycosylase; minus strand). Cytogenetic location: 1p34.1.
Variant type: single nucleotide variant.
Coding change: c.73C>T on transcript NM_001048174.2 (MANE Select); coding-DNA position 73, C replaced by T.
Protein change: p.His25Tyr; replaces histidine 25 with tyrosine.
Molecular consequence: missense variant. On other transcripts: 5 prime UTR variant (4), non-coding transcript variant (2).
Genome position (GRCh38, 1-based): chr1:45,334,433, G>A on the plus strand (C>T on the coding strand, the complement: MUTYH is on the minus strand). VCF-style: chr1-45334433-G-A. GRCh37 (hg19) VCF-style: chr1-45800105-G-A.
Other names: c.73C>T, p.His25Tyr (NM_001048171.2, NM_001048172.2, NM_001048173.2 and 2 more transcripts); c.115C>T, p.His39Tyr (NM_001128425.2, NM_001293190.2, NM_012222.3); c.-140C>T (NM_001293192.2, NM_001293196.2); c.-199C>T (NM_001350650.2); c.-135C>T (NM_001350651.2); short protein forms H39Y, H25Y.
Identifiers: ClinVar variation 481809 (VCV000481809.9), dbSNP rs1553131429, ClinGen allele CA340137081.